The following is an entry in ClinVar:

ClinVar aggregate classification (germline): Uncertain significance. Review status: criteria provided, multiple submitters, no conflicts (2 of 4 stars). 2 submissions from 2 submitters: Uncertain significance (2). Last evaluated 2024-10-24.

Conditions:
Anauxetic dysplasia. Identifiers: Orphanet 93347, MedGen C1846796, MONDO:0011773.

Allele frequency attached by ClinVar (database versions not stated): TOPMed 0.00016; gnomAD 0.00024 and 0.00026; ExAC 0.00016; gnomAD exomes 0.00020.

Submissions (2):

Blueprint Genetics
Classification: Uncertain significance. Last evaluated: 2024-10-24. Review status: criteria provided, single submitter. Criteria: ACMG Guidelines, 2015. Collection method: clinical testing. Allele origin: germline.

Labcorp Genetics (formerly Invitae), Labcorp
Classification: Uncertain significance for Anauxetic dysplasia. Last evaluated: 2022-10-20. Review status: criteria provided, single submitter. Criteria: Invitae Variant Classification Sherloc (09022015). Collection method: clinical testing. Allele origin: germline.
Comment: This variant occurs in the RMRP gene, which encodes an RNA molecule that does not result in a protein product. This variant is present in population databases (rs775290179, gnomAD 0.06%). This variant has not been reported in the literature in individuals affected with RMRP-related conditions. ClinVar contains an entry for this variant (Variation ID: 966509). Experimental studies and prediction algorithms are not available or were not evaluated, and the functional significance of this variant is currently unknown. In summary, the available evidence is currently insufficient to determine the role of this variant in disease. Therefore, it has been classified as a Variant of Uncertain Significance.

NC_000009.12:g.35658052C>G

Gene: RMRP (RNA component of mitochondrial RNA processing endoribonuclease; minus strand). Cytogenetic location: 9p13.3.
Variant type: single nucleotide variant.
Genome position: GRCh38 VCF-style: chr9-35658052-C-G. GRCh37 (hg19) VCF-style: chr9-35658049-C-G.
Identifiers: ClinVar variation 966509 (VCV000966509.5), dbSNP rs775290179, ClinGen allele CA5045899.